The following is an entry in ClinVar:

NM_015909.4(NBAS):c.1162T>A (p.Tyr388Asn)

Gene: NBAS (NBAS subunit of NRZ tethering complex; minus strand). Cytogenetic location: 2p24.3.
Variant type: single nucleotide variant.
Coding change: c.1162T>A on transcript NM_015909.4 (MANE Select); coding-DNA position 1162, T replaced by A.
Protein change: p.Tyr388Asn; replaces tyrosine 388 with asparagine.
Molecular consequence: missense variant. On other transcripts: non-coding transcript variant (1).
Genome position (GRCh38, 1-based): chr2:15,475,866, A>T on the plus strand (T>A on the coding strand, the complement: NBAS is on the minus strand). VCF-style: chr2-15475866-A-T. GRCh37 (hg19) VCF-style: chr2-15615990-A-T.
Other names: short protein forms Y388N.
Identifiers: ClinVar variation 1990884 (VCV001990884.4), dbSNP rs1680170123, ClinGen allele CA345891370.

ClinVar aggregate classification (germline): Uncertain significance (1 of 4 stars; one submission).

Allele frequency attached by ClinVar (database versions not stated): TOPMed 0.00001.

Submission:

Labcorp Genetics (formerly Invitae), Labcorp
Classification: Uncertain significance. Last evaluated: 2023-12-18. Review status: criteria provided, single submitter. Criteria: Invitae Variant Classification Sherloc (09022015). Collection method: clinical testing. Allele origin: germline.
Comment: This sequence change replaces tyrosine, which is neutral and polar, with asparagine, which is neutral and polar, at codon 388 of the NBAS protein (p.Tyr388Asn). This variant is not present in population databases (gnomAD no frequency). This variant has not been reported in the literature in individuals affected with NBAS-related conditions. ClinVar contains an entry for this variant (Variation ID: 1990884). Advanced modeling of protein sequence and biophysical properties (such as structural, functional, and spatial information, amino acid conservation, physicochemical variation, residue mobility, and thermodynamic stability) performed at Invitae indicates that this missense variant is not expected to disrupt NBAS protein function with a negative predictive value of 95%. In summary, the available evidence is currently insufficient to determine the role of this variant in disease. Therefore, it has been classified as a Variant of Uncertain Significance.